The following is an entry in ClinVar:

NM_000257.4(MYH7):c.4205A>C (p.Glu1402Ala)

Gene: MYH7 (myosin heavy chain 7; minus strand). Cytogenetic location: 14q11.2.
Variant type: single nucleotide variant.
Coding change: c.4205A>C on transcript NM_000257.4 (MANE Select); coding-DNA position 4205, A replaced by C.
Protein change: p.Glu1402Ala; replaces glutamic acid 1402 with alanine.
Molecular consequence: missense variant.
Genome position (GRCh38, 1-based): chr14:23,417,651, T>G on the plus strand (A>C on the coding strand, the complement: MYH7 is on the minus strand). VCF-style: chr14-23417651-T-G. GRCh37 (hg19) VCF-style: chr14-23886860-T-G.
Other names: c.4205A>C, p.Glu1402Ala (NM_001407004.1); short protein forms E1402A.
Identifiers: ClinVar variation 3069480 (VCV003069480.1), dbSNP rs2502252148, ClinGen allele CA389040512.

ClinVar aggregate classification (germline): Uncertain significance (1 of 4 stars; one submission).

Conditions:
Cardiomyopathy (CMYO). Also called: Cardiomyopathies. Identifiers: Orphanet 167848, MedGen C0878544, MONDO:0004994, HP:0001638. Inheritance: Various modes of inheritance.

Submission:

All of Us Research Program, National Institutes of Health
Classification: Uncertain significance for Cardiomyopathy. Last evaluated: 2023-02-24. Review status: criteria provided, single submitter. Criteria: ACMG Guidelines, 2015. Collection method: clinical testing. Allele origin: germline. Inheritance: Autosomal dominant inheritance. Observed: 1 variant allele, 1 heterozygote.
Comment: This missense variant replaces glutamic acid with alanine at codon 1402 of the MYH7 protein. Computational prediction suggests that this variant may have deleterious impact on protein structure and function (internally defined REVEL score threshold >= 0.7, PMID: 27666373). To our knowledge, functional studies have not been reported for this variant. This variant has not been reported in individuals affected with MYH7-related disorders in the literature. This variant has not been identified in the general population by the Genome Aggregation Database (gnomAD). The available evidence is insufficient to determine the role of this variant in disease conclusively. Therefore, this variant is classified as a Variant of Uncertain Significance.

This study involves interpretation of variants in research participants for the purpose of population health screening. Participant phenotype was not available at the time of variant classification. Additional details can be found in publication PMID: 35346344, PMCID: PMC8962531